The following is an entry in ClinVar:

NM_173598.6(KSR2):c.2063A>G (p.Glu688Gly)

Gene: KSR2 (kinase suppressor of ras 2; minus strand). Cytogenetic location: 12q24.22.
Variant type: single nucleotide variant.
Coding change: c.2063A>G on transcript NM_173598.6 (MANE Select); coding-DNA position 2063, A replaced by G.
Protein change: p.Glu688Gly; replaces glutamic acid 688 with glycine.
Molecular consequence: missense variant.
Genome position (GRCh38, 1-based): chr12:117,525,008, T>C on the plus strand (A>G on the coding strand, the complement: KSR2 is on the minus strand). VCF-style: chr12-117525008-T-C. GRCh37 (hg19) VCF-style: chr12-117962813-T-C.
Other names: short protein forms E688G.
Identifiers: ClinVar variation 3348849 (VCV003348849.1).

ClinVar aggregate classification (germline): Uncertain significance (0 of 4 stars; one submission).

Conditions:
KSR2-related disorder. Also called: KSR2-related condition.

Submission:

PreventionGenetics, part of Exact Sciences
Classification: Uncertain significance for KSR2-related condition. Last evaluated: 2024-01-05. Review status: no assertion criteria provided. Collection method: clinical testing. Allele origin: germline.
Comment: The KSR2 c.1976A>G variant is predicted to result in the amino acid substitution p.Glu659Gly. To our knowledge, this variant has not been reported in the literature or in a large population database, indicating this variant is rare. At this time, the clinical significance of this variant is uncertain due to the absence of conclusive functional and genetic evidence.